The following is an entry in ClinVar:

NM_001370658.1(BTD):c.1468G>A (p.Asp490Asn)

Gene: BTD (biotinidase; plus strand). Cytogenetic location: 3p25.1.
Variant type: single nucleotide variant.
Coding change: c.1468G>A on transcript NM_001370658.1 (MANE Select); coding-DNA position 1468, G replaced by A.
Protein change: p.Asp490Asn; replaces aspartic acid 490 with asparagine.
Molecular consequence: missense variant. On other transcripts: intron variant (2).
Genome position (GRCh38, 1-based): chr3:15,645,384, G>A. VCF-style: chr3-15645384-G-A. GRCh37 (hg19) VCF-style: chr3-15686891-G-A.
Other names: c.1468G>A, p.Asp490Asn (NM_001407364.1, NM_001407365.1, NM_001407366.1 and 16 more transcripts); c.1015+453G>A (NM_001370752.1); c.399+3327G>A (NM_001370753.1); c.1528G>A, p.Asp510Asn (NM_000060.4); short protein forms D490N, D510N.
Identifiers: ClinVar variation 2040568 (VCV002040568.4), dbSNP rs2471522646, ClinGen allele CA351962385.
Genomic context (GRCh38, chr3:15,645,384, plus strand): 5'-TTCAGTACTTCCTATATCTTTCCTTTGTTTCTGACCTCAGGGATGACCCTAGAAGTCCCT[G>A]ACCAGCTTGGCTGGGAGAATGACCACTATTTCCTGAGGAAAAGTAGGCTGTCCTCTGGGC-3'
Protein context (NP_001357587.1, residues 480-500): LTSGMTLEVP[Asp490Asn]QLGWENDHYF

ClinVar aggregate classification (germline): Uncertain significance (1 of 4 stars; one submission).

Conditions:
Biotinidase deficiency. Also called: BTD deficiency; Late-onset biotin-responsive multiple carboxylase deficiency; Biotin deficiency. Identifiers: Orphanet 79241, MedGen C0220754, MONDO:0009665, OMIM 253260.

Submission:

Labcorp Genetics (formerly Invitae), Labcorp
Classification: Uncertain significance for Biotinidase deficiency. Last evaluated: 2022-03-01. Review status: criteria provided, single submitter. Criteria: Invitae Variant Classification Sherloc (09022015). Collection method: clinical testing. Allele origin: germline.
Comment: This sequence change replaces aspartic acid, which is acidic and polar, with asparagine, which is neutral and polar, at codon 510 of the BTD protein (p.Asp510Asn). This variant is not present in population databases (gnomAD no frequency). In summary, the available evidence is currently insufficient to determine the role of this variant in disease. Therefore, it has been classified as a Variant of Uncertain Significance. Algorithms developed to predict the effect of missense changes on protein structure and function output the following: SIFT: "Deleterious"; PolyPhen-2: "Benign"; Align-GVGD: "Class C0". The asparagine amino acid residue is found in multiple mammalian species, which suggests that this missense change does not adversely affect protein function. This variant has not been reported in the literature in individuals affected with BTD-related conditions.